The following is an entry in ClinVar:

NM_024665.7(TBL1XR1):c.1007T>C (p.Leu336Ser)

Genes: TBL1XR1 (TBL1X/Y related 1; minus strand), TBL1XR1-AS1 (TBL1XR1 antisense RNA 1; plus strand), LOC126806878 (CDK7 strongly-dependent group 2 enhancer GRCh37_chr3:176755168-176756367; plus strand). Cytogenetic location: 3q26.32.
Variant type: single nucleotide variant.
Coding change: c.1007T>C on transcript NM_024665.7 (MANE Select); coding-DNA position 1007, T replaced by C.
Protein change: p.Leu336Ser; replaces leucine 336 with serine.
Molecular consequence: missense variant.
Genome position (GRCh38, 1-based): chr3:177,038,353, A>G on the plus strand (T>C on the coding strand, the complement: TBL1XR1 is on the minus strand). VCF-style: chr3-177038353-A-G. GRCh37 (hg19) VCF-style: chr3-176756141-A-G.
Other names: c.1007T>C, p.Leu336Ser (NM_001321193.3, NM_001321194.3, NM_001374327.1 and 2 more transcripts); c.746T>C, p.Leu249Ser (NM_001321195.3, NM_001374330.1); short protein forms L249S, L336S.
Identifiers: ClinVar variation 1805580 (VCV001805580.1), dbSNP rs2473634439, ClinGen allele CA355555315.

ClinVar aggregate classification (germline): Uncertain significance (1 of 4 stars; one submission).

Conditions:
Intellectual developmental disorder, autosomal dominant 41. Also called: Intellectual disability, autosomal dominant 41. Identifiers: Orphanet 2823, MedGen C4310784, MONDO:0014842, OMIM 616944.

Submission:

Victorian Clinical Genetics Services, Murdoch Childrens Research Institute
Classification: Uncertain significance for Intellectual developmental disorder, autosomal dominant 41. Last evaluated: 2020-05-26. Review status: criteria provided, single submitter. Criteria: ACMG Guidelines, 2015. Collection method: clinical testing. Allele origin: germline.
Comment: Based on the classification scheme VCGS_Germline_v1.1.1, this variant is classified as VUS - 3B. Following criteria are met: 0102 - Loss-of-function is a known mechanism of disease for this gene. (N) 0107 - This gene is known to be associated with autosomal dominant disease. (N) 0112 - Variants in this gene are known to have reduced penetrance (PMID:28574232). (N) 0200 - Variant is predicted to result in a missense amino acid change from leucine to serine (exon 11). (N) 0251 - Variant is heterozygous. (N) 0301 - Variant is absent from gnomAD. (P) 0501 - Missense variant consistently predicted to be damaging by multiple in silico tools or highly conserved with a major amino acid change. (P) 0600 - Variant is located in an annotated domain or motif (WD40 repeat; NCBI). (N) 0603 - Missense variant in a region that is highly intolerant to missense variation (high constraint region). (P) 0705 - No comparable variants have previous evidence for pathogenicity. (N) 0807 - Variant has not previously been reported in a clinical context. (N) 0905 - No segregation evidence has been identified for this variant. (N) 1007 - No published functional evidence has been identified for this variant. (N) Legend: (P) - Pathogenic, (N) - Neutral, (B) - Benign

Literature cited by the submitters: PubMed 28574232.